The following is an entry in ClinVar:

ClinVar aggregate classification (germline): Likely benign (0 of 4 stars; one submission).

Conditions:
PARD3B-related disorder. Also called: PARD3B-related condition.

Allele frequency attached by ClinVar (database versions not stated): 1000 Genomes Project 30x 0.00172; ESP Exome Variant Server 0.00193; gnomAD 0.00196; 1000 Genomes Project 0.00200; TOPMed 0.00201; ExAC 0.00228; gnomAD exomes 0.00244.

Submission:

PreventionGenetics, part of Exact Sciences
Classification: Likely benign for PARD3B-related condition. Last evaluated: 2022-04-28. Review status: no assertion criteria provided. Collection method: clinical testing. Allele origin: germline.
Comment: This variant is classified as likely benign based on ACMG/AMP sequence variant interpretation guidelines (Richards et al. 2015 PMID: 25741868, with internal and published modifications).

NM_001302769.2(PARD3B):c.365T>C (p.Ile122Thr)

Gene: PARD3B (par-3 family cell polarity regulator beta; plus strand). Cytogenetic location: 2q33.3.
Variant type: single nucleotide variant.
Coding change: c.365T>C on transcript NM_001302769.2 (MANE Select); coding-DNA position 365, T replaced by C.
Protein change: p.Ile122Thr; replaces isoleucine 122 with threonine.
Molecular consequence: missense variant.
Genome position (GRCh38, 1-based): chr2:204,965,294, T>C. VCF-style: chr2-204965294-T-C. GRCh37 (hg19) VCF-style: chr2-205830017-T-C.
Other names: c.365T>C, p.Ile122Thr (NM_057177.7, NM_152526.6, NM_205863.4); short protein forms I122T.
Identifiers: ClinVar variation 3042161 (VCV003042161.2), dbSNP rs74648966, ClinGen allele CA2067504.